The following is an entry in ClinVar:

NM_001042492.3(NF1):c.7050A>G (p.Ile2350Met)

Gene: NF1 (neurofibromin 1; plus strand). Cytogenetic location: 17q11.2.
Variant type: single nucleotide variant.
Coding change: c.7050A>G on transcript NM_001042492.3 (MANE Select); coding-DNA position 7050, A replaced by G.
Protein change: p.Ile2350Met; replaces isoleucine 2350 with methionine.
Molecular consequence: missense variant.
Genome position (GRCh38, 1-based): chr17:31,340,633, A>G. VCF-style: chr17-31340633-A-G. GRCh37 (hg19) VCF-style: chr17-29667651-A-G.
Other names: c.6987A>G, p.Ile2329Met (NM_000267.4); short protein forms I2329M, I2350M.
Identifiers: ClinVar variation 1717850 (VCV001717850.5), dbSNP rs2151561986, ClinGen allele CA399015213.

ClinVar aggregate classification (germline): Uncertain significance (1 of 4 stars; one submission).

Conditions:
Neurofibromatosis, type 1 (NF1). Also called: Peripheral type neurofibromatosis; VON RECKLINGHAUSEN DISEASE; NEUROFIBROMATOSIS, TYPE I, SOMATIC; Neurofibromatosis, type I. Identifiers: Orphanet 636, MedGen C0027831, MONDO:0018975, OMIM 162200. Disease mechanism: loss of function.

Submission:

Labcorp Genetics (formerly Invitae), Labcorp
Classification: Uncertain significance for Neurofibromatosis, type 1. Last evaluated: 2022-08-23. Review status: criteria provided, single submitter. Criteria: Invitae Variant Classification Sherloc (09022015). Collection method: clinical testing. Allele origin: germline.
Comment: In summary, the available evidence is currently insufficient to determine the role of this variant in disease. Therefore, it has been classified as a Variant of Uncertain Significance. Advanced modeling of protein sequence and biophysical properties (such as structural, functional, and spatial information, amino acid conservation, physicochemical variation, residue mobility, and thermodynamic stability) performed at Invitae indicates that this missense variant is not expected to disrupt NF1 protein function. This variant has not been reported in the literature in individuals affected with NF1-related conditions. This variant is not present in population databases (gnomAD no frequency). This sequence change replaces isoleucine, which is neutral and non-polar, with methionine, which is neutral and non-polar, at codon 2329 of the NF1 protein (p.Ile2329Met).